The following is an entry in ClinVar:

NM_002528.7(NTHL1):c.7G>A (p.Ala3Thr)

Gene: NTHL1 (nth like DNA glycosylase 1; minus strand). Cytogenetic location: 16p13.3.
Variant type: single nucleotide variant.
Coding change: c.7G>A on transcript NM_002528.7 (MANE Select); coding-DNA position 7, G replaced by A.
Protein change: p.Ala3Thr; replaces alanine 3 with threonine.
Molecular consequence: missense variant. On other transcripts: 5 prime UTR variant (1).
Genome position (GRCh38, 1-based): chr16:2,047,817, C>T on the plus strand (G>A on the coding strand, the complement: NTHL1 is on the minus strand). VCF-style: chr16-2047817-C-T. GRCh37 (hg19) VCF-style: chr16-2097818-C-T.
Other names: c.7G>A, p.Ala3Thr (LRG_1366t1, NM_001318193.2); c.-172G>A (NM_001318194.2); short protein forms A3T.
Identifiers: ClinVar variation 644881 (VCV000644881.20), dbSNP rs753350404, ClinGen allele CA394298702.
Genomic context (GRCh38, chr16:2,047,817, plus strand): 5'-CCCGCGGCCCAGCCCCGGGTCCCAGGCTCCGGCTCCGGGTCAGCATCCTCGCGCTCAAGG[C>T]GGTCATGCCGGACTCCTGCGGACTACACATCCCGGCGGCCCATGCGGCCCCGTCACGTGA-3'
Protein context (NP_002519.2, residues 1-13): MT[Ala3Thr]LSARMLTRSR

ClinVar aggregate classification (germline): Conflicting classifications of pathogenicity. Review status: criteria provided, conflicting classifications (1 of 4 stars). 4 submissions from 4 submitters: Uncertain significance (3); Likely benign (1). Last evaluated 2025-12-10.

Conditions:
Hereditary cancer-predisposing syndrome. Also called: Hereditary Cancer Syndrome; Tumor predisposition; Hereditary neoplastic syndrome; Neoplastic Syndromes, Hereditary. Identifiers: Orphanet 140162, MedGen C0027672, MeSH D009386, MONDO:0015356.

gnomAD v4.1: 5 of 1,593,584 alleles (0.00031%); highest among the groups gnomAD compares: Non-Finnish European, 0.00043%; no homozygotes.

Submissions (4):

Labcorp Genetics (formerly Invitae), Labcorp
Classification: Uncertain significance. Last evaluated: 2025-12-10. Review status: criteria provided, single submitter. Criteria: Invitae Variant Classification Sherloc (09022015). Collection method: clinical testing. Allele origin: germline.
Comment: This sequence change replaces alanine, which is neutral and non-polar, with threonine, which is neutral and polar, at codon 11 of the NTHL1 protein (p.Ala11Thr). This variant is not present in population databases (gnomAD no frequency). This variant has not been reported in the literature in individuals affected with NTHL1-related conditions. ClinVar contains an entry for this variant (Variation ID: 644881). An algorithm developed to predict the effect of missense changes on protein structure and function outputs the following: PolyPhen-2: "Benign". The threonine amino acid residue is found in multiple mammalian species, which suggests that this missense change does not adversely affect protein function. In summary, the available evidence is currently insufficient to determine the role of this variant in disease. Therefore, it has been classified as a Variant of Uncertain Significance.

Ambry Genetics
Classification: Likely benign for Hereditary cancer-predisposing syndrome. Last evaluated: 2025-03-28. Review status: criteria provided, single submitter. Criteria: Ambry Variant Classification Scheme 2023. Collection method: clinical testing. Allele origin: germline.

Center for Genomic Medicine, Rigshospitalet, Copenhagen University Hospital
Classification: Uncertain significance. Last evaluated: 2025-03-04. Review status: criteria provided, single submitter. Criteria: ACMG Guidelines, 2015. Collection method: clinical testing. Allele origin: germline.

GeneDx
Classification: Uncertain significance. Last evaluated: 2020-12-23. Review status: criteria provided, single submitter. Criteria: GeneDx Variant Classification Process June 2021. Collection method: clinical testing. Allele origin: germline. Affected: yes.
Comment: In silico analysis supports that this missense variant does not alter protein structure/function; Has not been previously published as pathogenic or benign to our knowledge